The following is an entry in ClinVar:

ClinVar aggregate classification (germline): Uncertain significance (1 of 4 stars; one submission).

Conditions:
Primary ciliary dyskinesia. Also called: Ciliary dyskinesia. Identifiers: Orphanet 244, MedGen C0008780, MONDO:0016575, HP:0012265.

gnomAD v4.1: 1 of 1,073,074 alleles (0.000093%); highest among the groups gnomAD compares: Non-Finnish European, 0.00013%; no homozygotes.

Submission:

Labcorp Genetics (formerly Invitae), Labcorp
Classification: Uncertain significance for Primary ciliary dyskinesia. Last evaluated: 2023-06-23. Review status: criteria provided, single submitter. Criteria: Invitae Variant Classification Sherloc (09022015). Collection method: clinical testing. Allele origin: germline.
Comment: In summary, the available evidence is currently insufficient to determine the role of this variant in disease. Therefore, it has been classified as a Variant of Uncertain Significance. Advanced modeling of protein sequence and biophysical properties (such as structural, functional, and spatial information, amino acid conservation, physicochemical variation, residue mobility, and thermodynamic stability) performed at Invitae indicates that this missense variant is not expected to disrupt RPGR protein function. This variant has not been reported in the literature in individuals affected with RPGR-related conditions. This variant is not present in population databases (gnomAD no frequency). This sequence change replaces asparagine, which is neutral and polar, with isoleucine, which is neutral and non-polar, at codon 511 of the RPGR protein (p.Asn511Ile).

NM_001034853.2(RPGR):c.1532A>T (p.Asn511Ile)

Gene: RPGR (retinitis pigmentosa GTPase regulator; minus strand). Cytogenetic location: Xp11.4.
Variant type: single nucleotide variant.
Coding change: c.1532A>T on transcript NM_001034853.2 (MANE Select); coding-DNA position 1532, A replaced by T.
Protein change: p.Asn511Ile; replaces asparagine 511 with isoleucine.
Molecular consequence: missense variant. On other transcripts: non-coding transcript variant (6).
Genome position (GRCh38, 1-based): chrX:38,290,999, T>A on the plus strand (A>T on the coding strand, the complement: RPGR is on the minus strand). VCF-style: chrX-38290999-T-A. GRCh37 (hg19) VCF-style: chrX-38150252-T-A.
Other names: c.1532A>T, p.Asn511Ile (NM_000328.3, NM_001367247.1); c.1529A>T, p.Asn510Ile (NM_001367245.1, NM_001367249.1, NM_001367250.1); c.1346A>T, p.Asn449Ile (NM_001367246.1, NM_001367251.1); c.1562A>T, p.Asn521Ile (NM_001367248.1); short protein forms N510I, N511I, N449I, N521I.
Identifiers: ClinVar variation 2725538 (VCV002725538.3), dbSNP rs777543422, ClinGen allele CA412737648.
Genomic context (GRCh38, chrX:38,290,999, plus strand): 5'-AATAAATCTTCATATTATACCTTTTGTTTCTGAACTGGTGATAATTTTAATGACTTTTCA[T>A]TGGAATTCAGGCTCATGATGTGTGTCTGAAATAAATAAAAAATATATATTATAAAAAGAA-3'
Protein context (NP_001030025.1, residues 501-521): NMTHIMSLNS[Asn511Ile]EKSLKLSPVQ